The following is an entry in ClinVar:

ClinVar aggregate classification (germline): Uncertain significance (1 of 4 stars; one submission).

Conditions:
Inborn genetic diseases. Identifiers: MedGen C0950123, MeSH D030342.

gnomAD v4.1: 1 of 1,614,162 alleles (0.000062%); highest among the groups gnomAD compares: South Asian, 0.0011%; no homozygotes.

Submission:

Ambry Genetics
Classification: Uncertain significance for Inborn genetic diseases. Last evaluated: 2025-09-23. Review status: criteria provided, single submitter. Criteria: Ambry Variant Classification Scheme 2023. Collection method: clinical testing. Allele origin: germline.
Comment: The p.I1035M variant (also known as c.3105A>G), located in coding exon 32 of the FANCA gene, results from an A to G substitution at nucleotide position 3105. The isoleucine at codon 1035 is replaced by methionine, an amino acid with highly similar properties. This amino acid position is conserved. In addition, this alteration is predicted to be tolerated by in silico analysis. Based on the available evidence, the clinical significance of this variant remains unclear.

NM_000135.4(FANCA):c.3105A>G (p.Ile1035Met)

Gene: FANCA (FA complementation group A; minus strand). Cytogenetic location: 16q24.3.
Variant type: single nucleotide variant.
Coding change: c.3105A>G on transcript NM_000135.4 (MANE Select); coding-DNA position 3105, A replaced by G.
Protein change: p.Ile1035Met; replaces isoleucine 1035 with methionine.
Molecular consequence: missense variant.
Genome position (GRCh38, 1-based): chr16:89,749,864, T>C on the plus strand (A>G on the coding strand, the complement: FANCA is on the minus strand). VCF-style: chr16-89749864-T-C. GRCh37 (hg19) VCF-style: chr16-89816272-T-C.
Other names: c.3105A>G, p.Ile1035Met (NM_001286167.3); short protein forms I1035M.
Identifiers: ClinVar variation 4619164 (VCV004619164.1).
Genomic context (GRCh38, chr16:89,749,864, plus strand): 5'-CCGTCTGCGGAAAATCTCAAAGAGGAAGTGCTCCTGGGAAGGGGTGTGGCCGAGAGGCAC[T>C]ATGAGGTCTTGCTGCAGCTCCAGGTCAGCTACCATCTCCTGAAAAAGAGCAGTATGCTGG-3'
Protein context (NP_000126.2, residues 1025-1045): VADLELQQDL[Ile1035Met]VPLGHTPSQE